The following is an entry in ClinVar:

ClinVar aggregate classification (germline): Uncertain significance (1 of 4 stars; one submission).

Submission:

Labcorp Genetics (formerly Invitae), Labcorp
Classification: Uncertain significance. Last evaluated: 2024-07-21. Review status: criteria provided, single submitter. Criteria: Invitae Variant Classification Sherloc (09022015). Collection method: clinical testing. Allele origin: germline.
Comment: This sequence change falls in intron 1 of the HOXB13 gene. It does not directly change the encoded amino acid sequence of the HOXB13 protein. It affects a nucleotide within the consensus splice site. This variant is not present in population databases (gnomAD no frequency). This variant has not been reported in the literature in individuals affected with HOXB13-related conditions. Variants that disrupt the consensus splice site are a relatively common cause of aberrant splicing (PMID: 17576681, 9536098). Algorithms developed to predict the effect of sequence changes on RNA splicing suggest that this variant may disrupt the consensus splice site. In summary, the available evidence is currently insufficient to determine the role of this variant in disease. Therefore, it has been classified as a Variant of Uncertain Significance.

Literature cited by the submitters: PubMed 17576681; PubMed 9536098.

NM_006361.6(HOXB13):c.601+2T>A

Gene: HOXB13 (homeobox B13; minus strand). Cytogenetic location: 17q21.32.
Variant type: single nucleotide variant.
Coding change: c.601+2T>A on transcript NM_006361.6 (MANE Select); the canonical splice donor site of the intron after coding-DNA position 601, T replaced by A.
Molecular consequence: splice donor variant.
Genome position (GRCh38, 1-based): chr17:48,727,991, A>T on the plus strand (T>A on the coding strand, the complement: HOXB13 is on the minus strand). VCF-style: chr17-48727991-A-T. GRCh37 (hg19) VCF-style: chr17-46805353-A-T.
Identifiers: ClinVar variation 3681386 (VCV003681386.2).